The following is an entry in ClinVar:

ClinVar aggregate classification (germline): Uncertain significance. Review status: criteria provided, multiple submitters, no conflicts (2 of 4 stars). 5 submissions from 5 submitters: Uncertain significance (5). Last evaluated 2026-03-13.

Conditions:
Polycystic kidney disease, adult type (PKD1). Also called: Polycystic Kidney Disease 1, Autosomal Dominant; Polycystic kidney disease 1; Polycystic kidney disease 1, severe; Polycystic Kidney, Autosomal Dominant; POLYCYSTIC KIDNEY DISEASE, ADULT, TYPE I; POLYCYSTIC KIDNEY DISEASE 1 WITH OR WITHOUT POLYCYSTIC LIVER DISEASE. Identifiers: MedGen C3149841, MONDO:0008263, OMIM 173900.

Allele frequency attached by ClinVar (database versions not stated): TOPMed below 0.00001.

Submissions (5):

GeneDx
Classification: Uncertain significance. Last evaluated: 2026-03-13. Review status: criteria provided, single submitter. Criteria: GeneDx Variant Classification Process June 2021. Collection method: clinical testing. Allele origin: germline.
Comment: Reported in a patient with atypical polycystic kidney disease in published literature (PMID: 33437033); patient level information not available; Not observed at significant frequency in large population cohorts (gnomAD); In silico analysis supports that this missense variant has a deleterious effect on protein structure/function; This variant is associated with the following publications: (PMID: 33437033)

Women's Health and Genetics/Laboratory Corporation of America, LabCorp
Classification: Uncertain significance. Last evaluated: 2025-02-25. Review status: criteria provided, single submitter. Criteria: LabCorp Variant Classification Summary - May 2015. Collection method: clinical testing. Allele origin: germline.
Comment: Variant summary: PKD1 c.3483G>T (p.Trp1161Cys) results in a non-conservative amino acid change located in the polycystin cation channel protein domain (IPR006228) of the encoded protein sequence. Five of five in-silico tools predict a damaging effect of the variant on protein function. The frequency data for this variant in gnomAD is considered unreliable, as metrics indicate poor data quality at this position. c.3483G>T has been reported in the literature as a VUS in at least one individual affected with atypical Polycystic Kidney Disease 1 (e.g. Mallawaarachchi_2021). These report(s) do not provide unequivocal conclusions about association of the variant with Polycystic Kidney Disease 1. To our knowledge, no experimental evidence demonstrating an impact on protein function has been reported. The following publication has been ascertained in the context of this evaluation (PMID: 33437033). ClinVar contains an entry for this variant (Variation ID: 972838). Based on the evidence outlined above, the variant was classified as uncertain significance.

Fulgent Genetics
Classification: Uncertain significance for Polycystic kidney disease, adult type. Last evaluated: 2021-10-03. Review status: criteria provided, single submitter. Criteria: ACMG Guidelines, 2015. Collection method: clinical testing. Allele origin: unknown.

Molecular Genetics of Inherited Kidney Disorders Laboratory, Garvan Institute of Medical Research
Classification: Uncertain significance. Last evaluated: 2019-01-01. Review status: criteria provided, single submitter. Criteria: ACMG Guidelines, 2015. Collection method: clinical testing. Allele origin: germline. Affected: yes.

Department of Pathology and Laboratory Medicine, Sinai Health System
Classification: Uncertain significance for Polycystic kidney disease, adult type. Last evaluated: 2018-04-18. Review status: criteria provided, single submitter. Criteria: ACMG Guidelines, 2015. Collection method: clinical testing. Allele origin: germline. Affected: yes.

Literature cited by the submitters: PubMed 33437033 (cited by Women's Health and Genetics/Laboratory Corporation of America, LabCorp).

NM_001009944.3(PKD1):c.3483G>T (p.Trp1161Cys)

Gene: PKD1 (polycystin 1, transient receptor potential channel interacting; minus strand). Cytogenetic location: 16p13.3.
Variant type: single nucleotide variant.
Coding change: c.3483G>T on transcript NM_001009944.3 (MANE Select); coding-DNA position 3483, G replaced by T.
Protein change: p.Trp1161Cys; replaces tryptophan 1161 with cysteine.
Molecular consequence: missense variant.
Genome position (GRCh38, 1-based): chr16:2,111,684, C>A on the plus strand (G>T on the coding strand, the complement: PKD1 is on the minus strand). VCF-style: chr16-2111684-C-A. GRCh37 (hg19) VCF-style: chr16-2161685-C-A.
Other names: c.3483G>T, p.Trp1161Cys (NM_000296.4); short protein forms W1161C.
Identifiers: ClinVar variation 972838 (VCV000972838.6), dbSNP rs1483748105, ClinGen allele CA394383010.